The following is an entry in ClinVar:

ClinVar aggregate classification (germline): Likely benign (0 of 4 stars; one submission).

Conditions:
MFHAS1-related disorder. Also called: MFHAS1-related condition.

Allele frequency attached by ClinVar (database versions not stated): gnomAD exomes 0.00004; ExAC 0.00015; ESP Exome Variant Server 0.00023; TOPMed 0.00030; gnomAD 0.00040; 1000 Genomes Project 30x 0.00062; 1000 Genomes Project 0.00080.
gnomAD v4.1: 113 of 1,614,250 alleles (0.007%); highest among the groups gnomAD compares: African/African-American, 0.13%; no homozygotes.

Submission:

PreventionGenetics, part of Exact Sciences
Classification: Likely benign for MFHAS1-related condition. Last evaluated: 2019-04-26. Review status: no assertion criteria provided. Collection method: clinical testing. Allele origin: germline.
Comment: This variant is classified as likely benign based on ACMG/AMP sequence variant interpretation guidelines (Richards et al. 2015 PMID: 25741868, with internal and published modifications).

NM_004225.3(MFHAS1):c.2772T>C (p.Pro924=)

Gene: MFHAS1 (multifunctional ROCO family signaling regulator 1). Cytogenetic location: 8p23.1.
Variant type: single nucleotide variant.
Coding change: c.2772T>C on transcript NM_004225.3 (MANE Select); coding-DNA position 2772, T replaced by C.
Protein change: p.Pro924=; no amino-acid change (proline 924 retained).
Molecular consequence: synonymous variant.
Genome position (GRCh38, 1-based): chr8:8,890,287, A>G on the plus strand (T>C on the coding strand, the complement: MFHAS1 is on the minus strand). VCF-style: chr8-8890287-A-G. GRCh37 (hg19) VCF-style: chr8-8747797-A-G.
Identifiers: ClinVar variation 3045962 (VCV003045962.2), dbSNP rs114434239, ClinGen allele CA4618889.